The following is an entry in ClinVar:

ClinVar aggregate classification (germline): Likely benign. Review status: criteria provided, multiple submitters, no conflicts (2 of 4 stars). 2 submissions from 2 submitters: Likely benign (2). Last evaluated 2025-11-05.

Conditions:
Hereditary diffuse gastric adenocarcinoma (HDGC). Also called: DIFFUSE GASTRIC AND LOBULAR BREAST CANCER SYNDROME. Identifiers: Orphanet 26106, MedGen C1708349, MONDO:0007648, OMIM 137215.

Allele frequency attached by ClinVar (database versions not stated): gnomAD exomes below 0.00001; TOPMed below 0.00001; ExAC 0.00001.
gnomAD v4.1: 1 of 1,581,254 alleles (0.000063%); highest among the groups gnomAD compares: South Asian, 0.0012%; no homozygotes.

Submissions (2):

Labcorp Genetics (formerly Invitae), Labcorp
Classification: Likely benign. Last evaluated: 2025-11-05. Review status: criteria provided, single submitter. Criteria: Invitae Variant Classification Sherloc (09022015). Collection method: clinical testing. Allele origin: germline.

Myriad Genetics, Inc.
Classification: Likely benign for Hereditary diffuse gastric adenocarcinoma. Last evaluated: 2024-10-10. Review status: criteria provided, single submitter. Criteria: Myriad Autosomal Dominant, Autosomal Recessive and X-Linked Classification Criteria (2023). Collection method: clinical testing. Allele origin: unknown.
Comment: This variant is considered likely benign. This variant is intronic and is not expected to impact mRNA splicing.

NM_001903.5(CTNNA1):c.1144-6C>T

Gene: CTNNA1 (catenin alpha 1; plus strand). Cytogenetic location: 5q31.2.
Variant type: single nucleotide variant.
Coding change: c.1144-6C>T on transcript NM_001903.5 (MANE Select); 6 bases into the intron before coding-DNA position 1144, C replaced by T.
Molecular consequence: intron variant.
Genome position (GRCh38, 1-based): chr5:138,887,484, C>T. VCF-style: chr5-138887484-C-T. GRCh37 (hg19) VCF-style: chr5-138223173-C-T.
Other names: c.1144-6C>T (NM_001323982.2, NM_001323984.2, NM_001290307.3 and 3 more transcripts); c.775-6C>T (NM_001290310.3); c.835-6C>T (NM_001290309.3); c.34-6C>T (NM_001323996.1, NM_001323993.1, NM_001324005.1 and 18 more transcripts); c.-364-6C>T (NM_001324007.1, NM_001324009.1, NM_001324006.1 and 1 more transcripts); c.-239-6C>T (NM_001324013.1); c.-58+11887C>T (NM_001324012.1); c.-61+11887C>T (NM_001324010.1).
Identifiers: ClinVar variation 1670162 (VCV001670162.9), dbSNP rs778553119, ClinGen allele CA3431873.